The following is an entry in ClinVar:

NM_022081.6(HPS4):c.1040G>T (p.Gly347Val)

Gene: HPS4 (HPS4 biogenesis of lysosomal organelles complex 3 subunit 2; minus strand). Cytogenetic location: 22q12.1.
Variant type: single nucleotide variant.
Coding change: c.1040G>T on transcript NM_022081.6 (MANE Select); coding-DNA position 1040, G replaced by T.
Protein change: p.Gly347Val; replaces glycine 347 with valine.
Molecular consequence: missense variant. On other transcripts: non-coding transcript variant (8).
Genome position (GRCh38, 1-based): chr22:26,464,590, C>A on the plus strand (G>T on the coding strand, the complement: HPS4 is on the minus strand). VCF-style: chr22-26464590-C-A. GRCh37 (hg19) VCF-style: chr22-26860556-C-A.
Other names: c.1040G>T, p.Gly347Val (NM_001349896.1, NM_001349898.2, NM_001349899.2 and 4 more transcripts); c.1094G>T, p.Gly365Val (NM_001349900.2, NM_001349901.1); c.1025G>T, p.Gly342Val (NM_152841.2); c.1040G>T (NM_022081.4); short protein forms G342V, G347V, G365V.
Identifiers: ClinVar variation 1021495 (VCV001021495.5), dbSNP rs113242819, ClinGen allele CA322845761.

ClinVar aggregate classification (germline): Uncertain significance. Review status: criteria provided, multiple submitters, no conflicts (2 of 4 stars). 2 submissions from 2 submitters: Uncertain significance (2). Last evaluated 2023-06-12.

Conditions:
Inborn genetic diseases. Identifiers: MedGen C0950123, MeSH D030342.

Allele frequency attached by ClinVar (database versions not stated): TOPMed 0.00001.
gnomAD v4.1: 4 of 1,614,088 alleles (0.00025%); highest among the groups gnomAD compares: Admixed American, 0.005%; no homozygotes.

Submissions (2):

Ambry Genetics
Classification: Uncertain significance for Inborn genetic diseases. Last evaluated: 2023-06-12. Review status: criteria provided, single submitter. Criteria: Ambry Variant Classification Scheme 2023. Collection method: clinical testing. Allele origin: germline.

Labcorp Genetics (formerly Invitae), Labcorp
Classification: Uncertain significance. Last evaluated: 2021-11-13. Review status: criteria provided, single submitter. Criteria: Invitae Variant Classification Sherloc (09022015). Collection method: clinical testing. Allele origin: germline.
Comment: This sequence change replaces glycine, which is neutral and non-polar, with valine, which is neutral and non-polar, at codon 347 of the HPS4 protein (p.Gly347Val). This variant is not present in population databases (gnomAD no frequency). This variant has not been reported in the literature in individuals affected with HPS4-related conditions. ClinVar contains an entry for this variant (Variation ID: 1021495). Algorithms developed to predict the effect of missense changes on protein structure and function (SIFT, PolyPhen-2, Align-GVGD) all suggest that this variant is likely to be tolerated. In summary, the available evidence is currently insufficient to determine the role of this variant in disease. Therefore, it has been classified as a Variant of Uncertain Significance.